The following is an entry in ClinVar:

NM_005762.3(TRIM28):c.1089T>C (p.Leu363=)

Gene: TRIM28 (tripartite motif containing 28; plus strand). Cytogenetic location: 19q13.43.
Variant type: single nucleotide variant.
Coding change: c.1089T>C on transcript NM_005762.3 (MANE Select); coding-DNA position 1089, T replaced by C.
Protein change: p.Leu363=; no amino-acid change (leucine 363 retained).
Molecular consequence: synonymous variant.
Genome position (GRCh38, 1-based): chr19:58,548,168, T>C. VCF-style: chr19-58548168-T-C. GRCh37 (hg19) VCF-style: chr19-59059535-T-C.
Identifiers: ClinVar variation 3351580 (VCV003351580.2).

ClinVar aggregate classification (germline): Likely benign. Review status: criteria provided, single submitter (1 of 4 stars). 2 submissions from 2 submitters: Likely benign (1). 1 of the submissions does not count toward it. Last evaluated 2025-09-29.

Conditions:
TRIM28-related disorder. Also called: TRIM28-related condition.

Submissions (2):

Labcorp Genetics (formerly Invitae), Labcorp
Classification: Likely benign. Last evaluated: 2025-09-29. Review status: criteria provided, single submitter. Criteria: Invitae Variant Classification Sherloc (09022015). Collection method: clinical testing. Allele origin: germline.

PreventionGenetics, part of Exact Sciences
Classification: Likely benign for TRIM28-related condition. Last evaluated: 2024-09-28. Review status: no assertion criteria provided. Collection method: clinical testing. Allele origin: germline. Not counted in ClinVar's aggregate classification.
Comment: This variant is classified as likely benign based on ACMG/AMP sequence variant interpretation guidelines (Richards et al. 2015 PMID: 25741868, with internal and published modifications).